The following is an entry in ClinVar:

ClinVar aggregate classification (germline): Benign. Review status: criteria provided, single submitter (1 of 4 stars). 2 submissions from 2 submitters: Benign (1). 1 of the submissions does not count toward it. Last evaluated 2024-01-21.

Conditions:
KAT6A-related disorder. Also called: KAT6A-related condition.

Allele frequency attached by ClinVar (database versions not stated): ExAC 0.00001; gnomAD exomes 0.00002; gnomAD 0.00003; TOPMed 0.00005; ESP Exome Variant Server 0.00008.
gnomAD v4.1: 31 of 1,614,120 alleles (0.0019%); highest among the groups gnomAD compares: African/African-American, 0.0027%; no homozygotes.

Submissions (2):

Labcorp Genetics (formerly Invitae), Labcorp
Classification: Benign. Last evaluated: 2024-01-21. Review status: criteria provided, single submitter. Criteria: Invitae Variant Classification Sherloc (09022015). Collection method: clinical testing. Allele origin: germline.

PreventionGenetics, part of Exact Sciences
Classification: Likely benign for KAT6A-related condition. Last evaluated: 2019-03-18. Review status: no assertion criteria provided. Collection method: clinical testing. Allele origin: germline. Not counted in ClinVar's aggregate classification.
Comment: This variant is classified as likely benign based on ACMG/AMP sequence variant interpretation guidelines (Richards et al. 2015 PMID: 25741868, with internal and published modifications).

NM_006766.5(KAT6A):c.5637A>G (p.Pro1879=)

Gene: KAT6A (lysine acetyltransferase 6A; minus strand). Cytogenetic location: 8p11.21.
Variant type: single nucleotide variant.
Coding change: c.5637A>G on transcript NM_006766.5 (MANE Select); coding-DNA position 5637, A replaced by G.
Protein change: p.Pro1879=; no amino-acid change (proline 1879 retained).
Molecular consequence: synonymous variant.
Genome position (GRCh38, 1-based): chr8:41,932,583, T>C on the plus strand (A>G on the coding strand, the complement: KAT6A is on the minus strand). VCF-style: chr8-41932583-T-C. GRCh37 (hg19) VCF-style: chr8-41790101-T-C.
Other names: c.5637A>G (NM_006766.4).
Identifiers: ClinVar variation 3015001 (VCV003015001.5), dbSNP rs377096572, ClinGen allele CA4729273.